The following is an entry in ClinVar:

NM_032888.4(COL27A1):c.2490G>A (p.Pro830=)

Gene: COL27A1 (collagen type XXVII alpha 1 chain; plus strand). Cytogenetic location: 9q32.
Variant type: single nucleotide variant.
Coding change: c.2490G>A on transcript NM_032888.4 (MANE Select); coding-DNA position 2490, G replaced by A.
Protein change: p.Pro830=; no amino-acid change (proline 830 retained).
Molecular consequence: synonymous variant.
Genome position (GRCh38, 1-based): chr9:114,231,102, G>A. VCF-style: chr9-114231102-G-A. GRCh37 (hg19) VCF-style: chr9-116993382-G-A.
Identifiers: ClinVar variation 1155973 (VCV001155973.33), dbSNP rs374233169, ClinGen allele CA5201901.
Genomic context (GRCh38, chr9:114,231,102, plus strand): 5'-CTGCTCACAGCACCCTCTTCTCTTTCTCTCCCCACAGGGTGACTTAGGAGTGTTGGGTCC[G>A]ATTGGCTACCCGGGACCCAAGGGCATGAAGGTAAGCAAGGGATGTTCCCCCGATTCAGGC-3'
Protein context (NP_116277.2, residues 820-840): GLIGDLGVLG[Pro830=]IGYPGPKGMK

ClinVar aggregate classification (germline): Likely benign. Review status: criteria provided, multiple submitters, no conflicts (2 of 4 stars). 3 submissions from 3 submitters: Likely benign (3). Last evaluated 2025-01-14.

Allele frequency attached by ClinVar (database versions not stated): ExAC 0.00001; gnomAD exomes 0.00001; TOPMed 0.00005; ESP Exome Variant Server 0.00008.

Submissions (3):

Labcorp Genetics (formerly Invitae), Labcorp
Classification: Likely benign. Last evaluated: 2025-01-14. Review status: criteria provided, single submitter. Criteria: Invitae Variant Classification Sherloc (09022015). Collection method: clinical testing. Allele origin: germline.

Blueprint Genetics
Classification: Likely benign. Last evaluated: 2024-03-01. Review status: criteria provided, single submitter. Criteria: ACMG Guidelines, 2015. Collection method: clinical testing. Allele origin: germline.

CeGaT Center for Human Genetics Tuebingen
Classification: Likely benign. Last evaluated: 2023-03-01. Review status: criteria provided, single submitter. Criteria: CeGaT Center For Human Genetics Tuebingen Variant Classification Criteria Version 2. Collection method: clinical testing. Allele origin: germline. Affected: yes. Observed: 1 variant allele.
Comment: COL27A1: BP4, BP7